The following is an entry in ClinVar:

NM_000103.4(CYP19A1):c.283_286del (p.Ile96fs)

Genes: CYP19A1 (cytochrome P450 family 19 subfamily A member 1; minus strand), MIR4713HG (MIR4713 host gene; plus strand), PIRC66 (piwi-interacting RNA cluster 66; plus strand). Cytogenetic location: 15q21.2.
Variant type: Deletion.
Coding change: c.283_286del on transcript NM_000103.4 (MANE Select); coding-DNA positions 283 to 286, 4 bases deleted (CTCA; older notation c.283_286delCTCA).
Protein change: p.Ile96fs; shifts the reading frame from isoleucine 96.
Molecular consequence: frameshift variant.
Genome position (GRCh38, 1-based): chr15:51,236,869-51,236,872, TGAG deleted on the plus strand (CTCA on the coding strand, the reverse complement: CYP19A1 is on the minus strand); deleting any 4 consecutive bases within chr15:51,236,869-51,236,874 gives the same sequence; the c. name uses the placement nearest the transcript's 3' end. VCF-style (leftmost placement, unchanged base first): chr15-51236868-ATGAG-A. GRCh37 (hg19) VCF-style: chr15-51529065-ATGAG-A.
Other names: c.283_286del, p.Ile96fs (NM_001347248.1, NM_001347249.2, NM_001347250.2 and 7 more transcripts); short protein forms I96fs.
Identifiers: ClinVar variation 2029138 (VCV002029138.4), dbSNP rs2542465709, ClinGen allele CA2580089734.

ClinVar aggregate classification (germline): Pathogenic (1 of 4 stars; one submission).

Submission:

Labcorp Genetics (formerly Invitae), Labcorp
Classification: Pathogenic. Last evaluated: 2022-09-17. Review status: criteria provided, single submitter. Criteria: Invitae Variant Classification Sherloc (09022015). Collection method: clinical testing. Allele origin: germline.
Comment: This sequence change creates a premature translational stop signal (p.Ile96Serfs*10) in the CYP19A1 gene. It is expected to result in an absent or disrupted protein product. Loss-of-function variants in CYP19A1 are known to be pathogenic (PMID: 14602738, 27086564, 27256151). This variant is not present in population databases (gnomAD no frequency). This variant has not been reported in the literature in individuals affected with CYP19A1-related conditions. For these reasons, this variant has been classified as Pathogenic.

Literature cited by the submitters: PubMed 14602738; PubMed 27086564; PubMed 27256151.